The following is an entry in ClinVar:

ClinVar aggregate classification (germline): Conflicting classifications of pathogenicity. Review status: criteria provided, conflicting classifications (1 of 4 stars). 2 submissions from 2 submitters: Uncertain significance (1); Likely benign (1). Last evaluated 2024-10-22.

Conditions:
PCNT-related disorder. Also called: PCNT-related condition.
Inborn genetic diseases. Identifiers: MedGen C0950123, MeSH D030342.

gnomAD v4.1: 1 of 1,614,092 alleles (0.000062%); highest among the groups gnomAD compares: Non-Finnish European, 0.000085%; no homozygotes.

Submissions (2):

PreventionGenetics, part of Exact Sciences
Classification: Uncertain significance for PCNT-related condition. Last evaluated: 2024-10-22. Review status: criteria provided, single submitter. Criteria: ACMG Guidelines, 2015. Collection method: clinical testing. Allele origin: germline.
Comment: The PCNT c.1825G>A variant is predicted to result in the amino acid substitution p.Glu609Lys. To our knowledge, this variant has not been reported in the literature or in a large population database, indicating this variant is rare. At this time, the clinical significance of this variant is uncertain due to the absence of conclusive functional and genetic evidence.

Ambry Genetics
Classification: Likely benign for Inborn genetic diseases. Last evaluated: 2023-09-25. Review status: criteria provided, single submitter. Criteria: Ambry Variant Classification Scheme 2023. Collection method: clinical testing. Allele origin: germline.

NM_006031.6(PCNT):c.1825G>A (p.Glu609Lys)

Gene: PCNT (pericentrin; plus strand). Cytogenetic location: 21q22.3.
Variant type: single nucleotide variant.
Coding change: c.1825G>A on transcript NM_006031.6 (MANE Select); coding-DNA position 1825, G replaced by A.
Protein change: p.Glu609Lys; replaces glutamic acid 609 with lysine.
Molecular consequence: missense variant.
Genome position (GRCh38, 1-based): chr21:46,355,515, G>A. VCF-style: chr21-46355515-G-A. GRCh37 (hg19) VCF-style: chr21-47775430-G-A.
Other names: c.1471G>A, p.Glu491Lys (NM_001315529.2); short protein forms E609K, E491K.
Identifiers: ClinVar variation 3210358 (VCV003210358.2), dbSNP rs529457692, ClinGen allele CA321999863.